The following is an entry in ClinVar:

ClinVar aggregate classification (germline): Benign/Likely benign. Review status: criteria provided, multiple submitters, no conflicts (2 of 4 stars). 3 submissions from 3 submitters: Benign (1); Likely benign (2). Last evaluated 2025-05-29.

Conditions:
Familial thoracic aortic aneurysm and aortic dissection (TAAD). Also called: Thoracic aortic aneurysms and dissections. Identifiers: Orphanet 91387, MedGen C4707243, MONDO:0019625.
Hereditary cancer-predisposing syndrome. Also called: Neoplastic Syndromes, Hereditary; Tumor predisposition; Hereditary neoplastic syndrome; Hereditary Cancer Syndrome. Identifiers: Orphanet 140162, MedGen C0027672, MeSH D009386, MONDO:0015356.
Juvenile polyposis syndrome (JPS). Identifiers: Orphanet 2929, MedGen C0345893, MONDO:0017380, OMIM 174900.
Juvenile polyposis/hereditary hemorrhagic telangiectasia syndrome (JPHT). Also called: JP/HHT SYNDROME; JUVENILE POLYPOSIS WITH HEREDITARY HEMORRHAGIC TELANGIECTASIA; POLYPOSIS, GENERALIZED JUVENILE, WITH PULMONARY ARTERIOVENOUS MALFORMATION; TELANGIECTASIA, HEREDITARY HEMORRHAGIC, WITH JUVENILE POLYPOSIS COLI; Juvenile Polyposis Syndrome / Hereditary Hemorrhagic Telangiectasia (JPS/HHT). Identifiers: Orphanet 2929, MedGen C1832942, MONDO:0008278, OMIM 175050.

Allele frequency attached by ClinVar (database versions not stated): gnomAD 0.00001.

Submissions (3):

Ambry Genetics
Classification: Likely benign for Hereditary cancer-predisposing syndrome; Familial thoracic aortic aneurysm and aortic dissection. Last evaluated: 2025-05-29. Review status: criteria provided, single submitter. Criteria: Ambry Variant Classification Scheme 2023. Collection method: clinical testing. Allele origin: germline.

Labcorp Genetics (formerly Invitae), Labcorp
Classification: Likely benign for Juvenile polyposis syndrome. Last evaluated: 2025-04-07. Review status: criteria provided, single submitter. Criteria: Invitae Variant Classification Sherloc (09022015). Collection method: clinical testing. Allele origin: germline.

Myriad Genetics, Inc.
Classification: Benign for Juvenile polyposis/hereditary hemorrhagic telangiectasia syndrome. Last evaluated: 2025-03-19. Review status: criteria provided, single submitter. Criteria: Myriad Autosomal Dominant, Autosomal Recessive and X-Linked Classification Criteria (2023). Collection method: clinical testing. Allele origin: unknown.
Comment: This variant is considered benign. This variant is a silent/synonymous amino acid change and it is not expected to impact splicing.

NM_005359.6(SMAD4):c.456T>C (p.Ala152=)

Gene: SMAD4 (SMAD family member 4; plus strand). Cytogenetic location: 18q21.2.
Variant type: single nucleotide variant.
Coding change: c.456T>C on transcript NM_005359.6 (MANE Select); coding-DNA position 456, T replaced by C.
Protein change: p.Ala152=; no amino-acid change (alanine 152 retained).
Molecular consequence: synonymous variant. On other transcripts: non-coding transcript variant (2).
Genome position (GRCh38, 1-based): chr18:51,054,782, T>C. VCF-style: chr18-51054782-T-C. GRCh37 (hg19) VCF-style: chr18-48581152-T-C.
Other names: c.456T>C, p.Ala152= (NM_001407041.1, NM_001407042.1, NM_001407043.1).
Identifiers: ClinVar variation 2017440 (VCV002017440.6), dbSNP rs1909794406, ClinGen allele CA503873669.
Genomic context (GRCh38, chr18:51,054,782, plus strand): 5'-TTTTTTTTCTGGGAATAGAAGCTTATAAAAATTTAAAATATGTTTAATTTTCTATATAGC[T>C]CCATCAAGTATGATGGTGAAGGATGAATATGTGCATGACTTTGAGGGACAGCCATCGTTG-3'
Protein context (NP_005350.1, residues 142-162): DLSGLTLQSN[Ala152=]PSSMMVKDEY